The following is an entry in ClinVar:

NM_032802.4(SPPL2A):c.65T>A (p.Leu22Gln)

Genes: SPPL2A (signal peptide peptidase like 2A; minus strand), LOC130057047 (ATAC-STARR-seq lymphoblastoid silent region 6430; plus strand). Cytogenetic location: 15q21.2.
Variant type: single nucleotide variant.
Coding change: c.65T>A on transcript NM_032802.4 (MANE Select); coding-DNA position 65, T replaced by A.
Protein change: p.Leu22Gln; replaces leucine 22 with glutamine.
Molecular consequence: missense variant.
Genome position (GRCh38, 1-based): chr15:50,765,469, A>T on the plus strand (T>A on the coding strand, the complement: SPPL2A is on the minus strand). VCF-style: chr15-50765469-A-T. GRCh37 (hg19) VCF-style: chr15-51057666-A-T.
Other names: c.65T>A, p.Leu22Gln (NM_001438111.1, NM_001438112.1); short protein forms L22Q.
Identifiers: ClinVar variation 4722393 (VCV004722393.1).

ClinVar aggregate classification (germline): Uncertain significance (1 of 4 stars; one submission).

Submission:

Labcorp Genetics (formerly Invitae), Labcorp
Classification: Uncertain significance. Last evaluated: 2025-06-30. Review status: criteria provided, single submitter. Criteria: Invitae Variant Classification Sherloc (09022015). Collection method: clinical testing. Allele origin: germline.
Comment: This sequence change replaces leucine, which is neutral and non-polar, with glutamine, which is neutral and polar, at codon 22 of the SPPL2A protein (p.Leu22Gln). This variant is not present in population databases (gnomAD no frequency). This variant has not been reported in the literature in individuals affected with SPPL2A-related conditions. An algorithm developed to predict the effect of missense changes on protein structure and function (PolyPhen-2) suggests that this variant is likely to be tolerated. In summary, the available evidence is currently insufficient to determine the role of this variant in disease. Therefore, it has been classified as a Variant of Uncertain Significance.